The following is an entry in ClinVar:

ClinVar aggregate classification (germline): Uncertain significance (1 of 4 stars; one submission).

gnomAD v4.1: 2 of 1,613,978 alleles (0.00012%); highest among the groups gnomAD compares: African/African-American, 0.0027%; no homozygotes.

Submission:

Labcorp Genetics (formerly Invitae), Labcorp
Classification: Uncertain significance. Last evaluated: 2025-02-12. Review status: criteria provided, single submitter. Criteria: Invitae Variant Classification Sherloc (09022015). Collection method: clinical testing. Allele origin: germline.
Comment: This sequence change replaces glutamine, which is neutral and polar, with arginine, which is basic and polar, at codon 713 of the CACNA1D protein (p.Gln713Arg). This variant is present in population databases (no rsID available, gnomAD 0.01%). This variant has not been reported in the literature in individuals affected with CACNA1D-related conditions. Invitae Evidence Modeling of protein sequence and biophysical properties (such as structural, functional, and spatial information, amino acid conservation, physicochemical variation, residue mobility, and thermodynamic stability) indicates that this missense variant is not expected to disrupt CACNA1D protein function with a negative predictive value of 80%. In summary, the available evidence is currently insufficient to determine the role of this variant in disease. Therefore, it has been classified as a Variant of Uncertain Significance.

NM_001128840.3(CACNA1D):c.2078A>G (p.Gln693Arg)

Gene: CACNA1D (calcium voltage-gated channel subunit alpha1 D; plus strand). Cytogenetic location: 3p21.1.
Variant type: single nucleotide variant.
Coding change: c.2078A>G on transcript NM_001128840.3 (MANE Select); coding-DNA position 2078, A replaced by G.
Protein change: p.Gln693Arg; replaces glutamine 693 with arginine.
Molecular consequence: missense variant.
Genome position (GRCh38, 1-based): chr3:53,723,977, A>G. VCF-style: chr3-53723977-A-G. GRCh37 (hg19) VCF-style: chr3-53758004-A-G.
Other names: c.2138A>G, p.Gln713Arg (NM_000720.4); c.2078A>G, p.Gln693Arg (NM_001128839.3); short protein forms Q693R, Q713R.
Identifiers: ClinVar variation 3713474 (VCV003713474.2).